The following is an entry in ClinVar:

ClinVar aggregate classification (germline): Likely benign. Review status: criteria provided, multiple submitters, no conflicts (2 of 4 stars). 2 submissions from 2 submitters: Likely benign (2). Last evaluated 2025-06-11.

Conditions:
Von Hippel-Lindau syndrome (VHLS). Also called: Von Hippel-Lindau; von Hippel–Lindau syndrome; VHL syndrome. Identifiers: Orphanet 892, MedGen C0019562, MONDO:0008667, OMIM 193300. Disease mechanism: loss of function.
Chuvash polycythemia. Also called: POLYCYTHEMIA, VHL-DEPENDENT. Identifiers: Orphanet 238557, MedGen C1837915, MONDO:0009892, OMIM 263400.

Allele frequency attached by ClinVar (database versions not stated): TOPMed 0.00001.
gnomAD v4.1: 2 of 1,596,046 alleles (0.00013%); highest among the groups gnomAD compares: African/African-American, 0.0013%; no homozygotes.

Submissions (2):

Myriad Genetics, Inc.
Classification: Likely benign for Von Hippel-Lindau syndrome. Last evaluated: 2025-06-11. Review status: criteria provided, single submitter. Criteria: Myriad Autosomal Dominant, Autosomal Recessive and X-Linked Classification Criteria (2023). Collection method: clinical testing. Allele origin: unknown.
Comment: This variant is considered likely benign. This variant is intronic and is not expected to impact mRNA splicing.

Labcorp Genetics (formerly Invitae), Labcorp
Classification: Likely benign for Von Hippel-Lindau syndrome; Chuvash polycythemia. Last evaluated: 2022-11-15. Review status: criteria provided, single submitter. Criteria: Invitae Variant Classification Sherloc (09022015). Collection method: clinical testing. Allele origin: germline.

NM_000551.4(VHL):c.340+10C>A

Gene: VHL (von Hippel-Lindau tumor suppressor; plus strand). Cytogenetic location: 3p25.3.
Variant type: single nucleotide variant.
Coding change: c.340+10C>A on transcript NM_000551.4 (MANE Select); 10 bases into the intron after coding-DNA position 340, C replaced by A.
Molecular consequence: intron variant.
Genome position (GRCh38, 1-based): chr3:10,142,197, C>A. VCF-style: chr3-10142197-C-A. GRCh37 (hg19) VCF-style: chr3-10183881-C-A.
Other names: c.340+10C>A (NM_001354723.2, NM_198156.3).
Identifiers: ClinVar variation 723884 (VCV000723884.12), dbSNP rs777622214, ClinGen allele CA896159667.